The following is an entry in ClinVar:

NM_031935.3(HMCN1):c.11306A>G (p.His3769Arg)

Gene: HMCN1 (hemicentin 1; plus strand). Cytogenetic location: 1q31.1.
Variant type: single nucleotide variant.
Coding change: c.11306A>G on transcript NM_031935.3 (MANE Select); coding-DNA position 11306, A replaced by G.
Protein change: p.His3769Arg; replaces histidine 3769 with arginine.
Molecular consequence: missense variant.
Genome position (GRCh38, 1-based): chr1:186,114,848, A>G. VCF-style: chr1-186114848-A-G. GRCh37 (hg19) VCF-style: chr1-186083980-A-G.
Other names: short protein forms H3769R.
Identifiers: ClinVar variation 2039024 (VCV002039024.4), dbSNP rs1661051577, ClinGen allele CA343942566.

ClinVar aggregate classification (germline): Uncertain significance (1 of 4 stars; one submission).

Submission:

Labcorp Genetics (formerly Invitae), Labcorp
Classification: Uncertain significance. Last evaluated: 2021-12-09. Review status: criteria provided, single submitter. Criteria: Invitae Variant Classification Sherloc (09022015). Collection method: clinical testing. Allele origin: germline.
Comment: In summary, the available evidence is currently insufficient to determine the role of this variant in disease. Therefore, it has been classified as a Variant of Uncertain Significance. Algorithms developed to predict the effect of missense changes on protein structure and function output the following: SIFT: "Tolerated"; PolyPhen-2: "Benign"; Align-GVGD: "Class C0". The arginine amino acid residue is found in multiple mammalian species, which suggests that this missense change does not adversely affect protein function. This variant has not been reported in the literature in individuals affected with HMCN1-related conditions. This variant is not present in population databases (gnomAD no frequency). This sequence change replaces histidine, which is basic and polar, with arginine, which is basic and polar, at codon 3769 of the HMCN1 protein (p.His3769Arg).